The following is an entry in ClinVar:

ClinVar aggregate classification (germline): Uncertain significance. Review status: reviewed by expert panel (3 of 4 stars). 2 submissions from 2 submitters: Uncertain significance (1). 1 of the submissions does not count toward it. Last evaluated 2023-06-01.

Conditions:
PALB2-related cancer predisposition. Identifiers: MedGen CN377761, MONDO:0700272.
Familial cancer of breast. Also called: hereditary breast carcinoma; BREAST CANCER, FAMILIAL; Hereditary breast cancer. Identifiers: Orphanet 227535, MedGen C0346153, MONDO:0016419, OMIM 114480. Disease mechanism: loss of function.

Submissions (2):

ClinGen Hereditary Breast, Ovarian and Pancreatic Cancer Variant Curation Expert Panel, ClinGen
Classification: Uncertain significance for PALB2-related cancer predisposition. Last evaluated: 2023-06-01. Review status: reviewed by expert panel. Criteria: ClinGen HBOP VCEP ACMG Specifications PALB2 V1.0.0. Collection method: curation. Allele origin: germline. Inheritance: Autosomal dominant inheritance.
Comment: The c.3543del (p.Phe1181fs) variant in PALB2 is a frameshift variant predicted to alter a region that is critical to protein function. The C-terminal end of the WD40 domain is substituted by an alternative extended sequence. This variant is absent from gnomAD v2.1.1. In summary, this variant meets criteria to be classified as variant of uncertain significance for autosomal dominant hereditary breast and pancreatic cancer and autosomal recessive FANCN based on the ACMG/AMP criteria applied, as specified by the HBOP VCEP. (PVS1_Strong, PM2_Supporting)

Labcorp Genetics (formerly Invitae), Labcorp
Classification: Pathogenic for Familial cancer of breast. Last evaluated: 2019-05-07. Review status: criteria provided, single submitter. Criteria: Invitae Variant Classification Sherloc (09022015). Collection method: clinical testing. Allele origin: germline. Not counted in ClinVar's aggregate classification.
Comment: This sequence change results in a premature translational stop signal in the PALB2 gene (p.Phe1181Leufs*10). While this is not anticipated to result in nonsense mediated decay, it is expected to disrupt the last 6 amino acids of the PALB2 protein. This variant is not present in population databases (ExAC no frequency). This variant has not been reported in the literature in individuals with PALB2-related conditions. This variant disrupts the C-terminus of the PALB2 protein. Other variant(s) that disrupt this region (p.Tyr1183*) have been determined to be pathogenic (PMID: 17200671, 20927582, 26283626, 26296701). This suggests that variants that disrupt this region of the protein are likely to be causative of disease. For these reasons, this variant has been classified as Pathogenic.

Literature cited by the submitters: PubMed 17200671 (cited by Labcorp Genetics (formerly Invitae), Labcorp); PubMed 20927582 (cited by Labcorp Genetics (formerly Invitae), Labcorp); PubMed 26283626 (cited by Labcorp Genetics (formerly Invitae), Labcorp); PubMed 26296701 (cited by Labcorp Genetics (formerly Invitae), Labcorp).

NM_024675.4(PALB2):c.3543del (p.Phe1181fs)

Gene: PALB2 (partner and localizer of BRCA2; minus strand). Cytogenetic location: 16p12.2.
Variant type: Deletion.
Coding change: c.3543del on transcript NM_024675.4 (MANE Select); coding-DNA position 3543, one base deleted (T; older notation c.3543delT).
Protein change: p.Phe1181fs; shifts the reading frame from phenylalanine 1181.
Molecular consequence: frameshift variant.
Genome position (GRCh38, 1-based): chr16:23,603,477, A deleted on the plus strand (T on the coding strand, the reverse complement: PALB2 is on the minus strand); the first of 3 consecutive A bases (chr16:23,603,477-23,603,479); deleting any one gives the same sequence. VCF-style (leftmost placement, unchanged base first): chr16-23603476-CA-C. GRCh37 (hg19) VCF-style: chr16-23614797-CA-C.
Other names: NM_024675.4(PALB2):c.3543del; p.Phe1181fs; short protein forms F1181fs.
Identifiers: ClinVar variation 944799 (VCV000944799.13), dbSNP rs1567204928, ClinGen allele CA1139664609.